The following is an entry in ClinVar:

ClinVar aggregate classification (germline): Likely benign (1 of 4 stars; one submission).

Allele frequency attached by ClinVar (database versions not stated): 1000 Genomes Project 0.00359; 1000 Genomes Project 30x 0.00359; ExAC 0.00482; TOPMed 0.00510; ESP Exome Variant Server 0.00589.

Submission:

CeGaT Center for Human Genetics Tuebingen
Classification: Likely benign. Last evaluated: 2024-04-01. Review status: criteria provided, single submitter. Criteria: CeGaT Center For Human Genetics Tuebingen Variant Classification Criteria Version 2. Collection method: clinical testing. Allele origin: germline. Affected: yes. Observed: 1 variant allele.
Comment: RAB25: BS2

NM_020387.4(RAB25):c.59A>G (p.Glu20Gly)

Gene: RAB25 (RAB25, member RAS oncogene family; plus strand). Cytogenetic location: 1q22.
Variant type: single nucleotide variant.
Coding change: c.59A>G on transcript NM_020387.4 (MANE Select); coding-DNA position 59, A replaced by G.
Protein change: p.Glu20Gly; replaces glutamic acid 20 with glycine.
Molecular consequence: missense variant.
Genome position (GRCh38, 1-based): chr1:156,065,926, A>G. VCF-style: chr1-156065926-A-G. GRCh37 (hg19) VCF-style: chr1-156035717-A-G.
Other names: short protein forms E20G.
Identifiers: ClinVar variation 3234162 (VCV003234162.20), dbSNP rs61751627, ClinGen allele CA1154465.